The following is an entry in ClinVar:

ClinVar aggregate classification (germline): Uncertain significance (1 of 4 stars; one submission).

Conditions:
Autosomal recessive limb-girdle muscular dystrophy type 2D (LGMDR3). Also called: MUSCULAR DYSTROPHY, LIMB-GIRDLE, AUTOSOMAL RECESSIVE 3; ADHALINOPATHY, PRIMARY; DUCHENNE-LIKE AUTOSOMAL RECESSIVE MUSCULAR DYSTROPHY, TYPE 2. Identifiers: Orphanet 62, MedGen C2936332, MONDO:0011968, OMIM 608099. Disease mechanism: Affects gamma-sarcoglycan and also disrupts the integrity of the entire sarcoglycan complex..

Submission:

Labcorp Genetics (formerly Invitae), Labcorp
Classification: Uncertain significance for Autosomal recessive limb-girdle muscular dystrophy type 2D. Last evaluated: 2021-02-07. Review status: criteria provided, single submitter. Criteria: Invitae Variant Classification Sherloc (09022015). Collection method: clinical testing. Allele origin: germline.
Comment: This variant, c.1007_1009dup, results in the insertion of 1 amino acid(s) to the SGCA protein (p.Thr336dup), but otherwise preserves the integrity of the reading frame. This variant is not present in population databases (ExAC no frequency). This variant has not been reported in the literature in individuals with SGCA-related conditions. Experimental studies and prediction algorithms are not available or were not evaluated, and the functional significance of this variant is currently unknown. In summary, the available evidence is currently insufficient to determine the role of this variant in disease. Therefore, it has been classified as a Variant of Uncertain Significance.

NM_000023.4(SGCA):c.1007_1009dup (p.Thr336dup)

Gene: SGCA (sarcoglycan alpha; plus strand). Cytogenetic location: 17q21.33.
Variant type: Duplication.
Coding change: c.1007_1009dup on transcript NM_000023.4 (MANE Select); coding-DNA positions 1007 to 1009, 3 bases duplicated (CCA; older notation c.1007_1009dupCCA).
Protein change: p.Thr336dup; duplicates threonine 336.
Molecular consequence: inframe insertion. On other transcripts: non-coding transcript variant (1).
Genome position (GRCh38, 1-based): chr17:50,175,280-50,175,282, CCA duplicated; duplicating any 3 consecutive bases within chr17:50,175,278-50,175,282 gives the same sequence; the c. name uses the placement nearest the transcript's 3' end. VCF-style (leftmost placement, unchanged base first): chr17-50175277-G-GCAC. GRCh37 (hg19) VCF-style: chr17-48252638-G-GCAC.
Other names: c.635_637dup, p.Thr212dup (NM_001135697.3).
Identifiers: ClinVar variation 1412542 (VCV001412542.8), dbSNP rs2144511791, ClinGen allele CA2573154164.